The following is an entry in ClinVar:

NM_001148.6(ANK2):c.7858T>C (p.Ser2620Pro)

Genes: ANK2 (ankyrin 2; plus strand), LOC126807137 (CDK7 strongly-dependent group 2 enhancer GRCh37_chr4:114276560-114277759; plus strand). Cytogenetic location: 4q26.
Variant type: single nucleotide variant.
Coding change: c.7858T>C on transcript NM_001148.6 (MANE Select); coding-DNA position 7858, T replaced by C.
Protein change: p.Ser2620Pro; replaces serine 2620 with proline.
Molecular consequence: missense variant. On other transcripts: intron variant (68).
Genome position (GRCh38, 1-based): chr4:113,356,476, T>C. VCF-style: chr4-113356476-T-C. GRCh37 (hg19) VCF-style: chr4-114277632-T-C.
Other names: c.7624T>C, p.Ser2542Pro (NM_001386142.1); c.4258T>C, p.Ser1420Pro (NM_001386166.1); c.7999T>C, p.Ser2667Pro (NM_001386174.1); c.7975T>C, p.Ser2659Pro (NM_001386175.1); c.4412-4347T>C (NM_001386186.2, NM_001386148.2); c.4214-4347T>C (NM_001354269.3); c.4292-4347T>C (NM_001386187.2); c.4253-4347T>C (NM_001386147.1); and 35 more; short protein forms S1420P, S2542P, S2620P, S2659P, S2667P.
Identifiers: ClinVar variation 4858372 (VCV004858372.1).
Genomic context (GRCh38, chr4:113,356,476, plus strand): 5'-GAACTTGAACAAGAAGCAAAGCAGAAAAGGGACTACAAAAAAGAACCCAAACAAGAAGAA[T>C]CTTCTTCATCTTCTGACCCAGATGCTGACTGTTCAGTAGATGTGGATGAACCAAAACATA-3'
Protein context (NP_001139.3, residues 2610-2630): DYKKEPKQEE[Ser2620Pro]SSSSDPDADC

ClinVar aggregate classification (germline): Uncertain significance (1 of 4 stars; one submission).

Conditions:
Cardiovascular phenotype. Identifiers: MedGen CN230736.

Submission:

Ambry Genetics
Classification: Uncertain significance for Cardiovascular phenotype. Last evaluated: 2026-06-12. Review status: criteria provided, single submitter. Criteria: Ambry Variant Classification Scheme 2023. Collection method: clinical testing. Allele origin: germline.
Comment: The p.S2620P variant (also known as c.7858T>C), located in coding exon 38 of the ANK2 gene, results from a T to C substitution at nucleotide position 7858. The serine at codon 2620 is replaced by proline, an amino acid with similar properties. This amino acid position is conserved. In addition, this alteration is predicted to be tolerated by in silico analysis. Based on the available evidence, the clinical significance of this variant remains unclear.